The following is an entry in ClinVar:

NM_031407.7(HUWE1):c.12407T>C (p.Ile4136Thr)

Gene: HUWE1 (HECT, UBA and WWE domain containing E3 ubiquitin protein ligase 1; minus strand). Cytogenetic location: Xp11.22.
Variant type: single nucleotide variant.
Coding change: c.12407T>C on transcript NM_031407.7 (MANE Select); coding-DNA position 12407, T replaced by C.
Protein change: p.Ile4136Thr; replaces isoleucine 4136 with threonine.
Molecular consequence: missense variant.
Genome position (GRCh38, 1-based): chrX:53,536,398, A>G on the plus strand (T>C on the coding strand, the complement: HUWE1 is on the minus strand). VCF-style: chrX-53536398-A-G. GRCh37 (hg19) VCF-style: chrX-53563359-A-G.
Other names: short protein forms I4136T.
Identifiers: ClinVar variation 3775669 (VCV003775669.1).

ClinVar aggregate classification (germline): Likely pathogenic (1 of 4 stars; one submission).

Conditions:
Intellectual developmental disorder, X-linked, syndromic, Turner type. Also called: X-linked intellectual disability, Turner type; Intellectual disability, X-linked syndromic, Turner type. Identifiers: Orphanet 3056, Orphanet 85328, MedGen C2678046, MONDO:0010407, OMIM 309590.

Submission:

3billion
Classification: Likely pathogenic for Intellectual developmental disorder, X-linked, syndromic, Turner type. Last evaluated: 2023-10-12. Review status: criteria provided, single submitter. Criteria: ACMG Guidelines, 2015. Collection method: clinical testing. Allele origin: germline. Affected: yes.
Comment: The variant is not observed in the gnomAD v2.1.1 dataset. Predicted Consequence/Location: The variant is located in a mutational hot spot and/or well-established functional domain in which established pathogenic variants have been reported (PMID: 35937685). In silico tool predictions suggest damaging effect of the variant on gene or gene product [REVEL: 0.75 (>=0.6, sensitivity 0.68 and specificity 0.92); 3Cnet: 0.96 (>=0.6, sensitivity 0.72 and precision 0.9)]. A different missense change at the same codon (p.Ile4136Met) has been reported to be associated with HUWE1 related disorder (ClinVar ID: VCV000977636). Therefore, this variant is classified as Likely pathogenic according to the recommendation of ACMG/AMP guideline.

Literature cited by the submitters: PubMed 35937685.